The following is an entry in ClinVar:

NM_016247.4(IMPG2):c.203G>A (p.Arg68His)

Gene: IMPG2 (interphotoreceptor matrix proteoglycan 2; minus strand). Cytogenetic location: 3q12.3.
Variant type: single nucleotide variant.
Coding change: c.203G>A on transcript NM_016247.4 (MANE Select); coding-DNA position 203, G replaced by A.
Protein change: p.Arg68His; replaces arginine 68 with histidine.
Molecular consequence: missense variant.
Genome position (GRCh38, 1-based): chr3:101,319,715, C>T on the plus strand (G>A on the coding strand, the complement: IMPG2 is on the minus strand). VCF-style: chr3-101319715-C-T. GRCh37 (hg19) VCF-style: chr3-101038559-C-T.
Other names: short protein forms R68H.
Identifiers: ClinVar variation 1439311 (VCV001439311.6), dbSNP rs756723730, ClinGen allele CA2519536.

ClinVar aggregate classification (germline): Uncertain significance (1 of 4 stars; one submission).

Allele frequency attached by ClinVar (database versions not stated): ExAC 0.00001.
gnomAD v4.1: 2 of 1,613,644 alleles (0.00012%); highest among the groups gnomAD compares: South Asian, 0.0011%; no homozygotes.

Submission:

Labcorp Genetics (formerly Invitae), Labcorp
Classification: Uncertain significance. Last evaluated: 2025-01-15. Review status: criteria provided, single submitter. Criteria: Invitae Variant Classification Sherloc (09022015). Collection method: clinical testing. Allele origin: germline.
Comment: This sequence change replaces arginine, which is basic and polar, with histidine, which is basic and polar, at codon 68 of the IMPG2 protein (p.Arg68His). This variant is present in population databases (rs756723730, gnomAD 0.003%). This variant has not been reported in the literature in individuals affected with IMPG2-related conditions. ClinVar contains an entry for this variant (Variation ID: 1439311). An algorithm developed to predict the effect of missense changes on protein structure and function outputs the following: PolyPhen-2: "Benign". The histidine amino acid residue is found in multiple mammalian species, which suggests that this missense change does not adversely affect protein function. In summary, the available evidence is currently insufficient to determine the role of this variant in disease. Therefore, it has been classified as a Variant of Uncertain Significance.